The following is an entry in ClinVar:

ClinVar aggregate classification (germline): Uncertain significance (1 of 4 stars; one submission).

Conditions:
Cardiovascular phenotype. Identifiers: MedGen CN230736.
Hereditary cancer-predisposing syndrome. Also called: Neoplastic Syndromes, Hereditary; Tumor predisposition; Hereditary Cancer Syndrome; Hereditary neoplastic syndrome. Identifiers: Orphanet 140162, MedGen C0027672, MeSH D009386, MONDO:0015356.

Submission:

Ambry Genetics
Classification: Uncertain significance for Cardiovascular phenotype; Hereditary cancer-predisposing syndrome. Last evaluated: 2026-06-13. Review status: criteria provided, single submitter. Criteria: Ambry Variant Classification Scheme 2023. Collection method: clinical testing. Allele origin: germline.
Comment: The p.I647M variant (also known as c.1941T>G), located in coding exon 16 of the LZTR1 gene, results from a T to G substitution at nucleotide position 1941. The isoleucine at codon 647 is replaced by methionine, an amino acid with highly similar properties. This amino acid position is conserved. In addition, this alteration is predicted to be tolerated by in silico analysis. Based on the available evidence, the clinical significance of this variant remains unclear.

NM_006767.4(LZTR1):c.1941T>G (p.Ile647Met)

Gene: LZTR1 (leucine zipper like post translational regulator 1; plus strand). Cytogenetic location: 22q11.21.
Variant type: single nucleotide variant.
Coding change: c.1941T>G on transcript NM_006767.4 (MANE Select); coding-DNA position 1941, T replaced by G.
Protein change: p.Ile647Met; replaces isoleucine 647 with methionine.
Molecular consequence: missense variant.
Genome position (GRCh38, 1-based): chr22:20,995,025, T>G. VCF-style: chr22-20995025-T-G. GRCh37 (hg19) VCF-style: chr22-21349314-T-G.
Other names: short protein forms I647M.
Identifiers: ClinVar variation 4859438 (VCV004859438.1).